The following is an entry in ClinVar:

NM_001042492.3(NF1):c.7326A>T (p.Leu2442Phe)

Gene: NF1 (neurofibromin 1; plus strand). Cytogenetic location: 17q11.2.
Variant type: single nucleotide variant.
Coding change: c.7326A>T on transcript NM_001042492.3 (MANE Select); coding-DNA position 7326, A replaced by T.
Protein change: p.Leu2442Phe; replaces leucine 2442 with phenylalanine.
Molecular consequence: missense variant.
Genome position (GRCh38, 1-based): chr17:31,350,187, A>T. VCF-style: chr17-31350187-A-T. GRCh37 (hg19) VCF-style: chr17-29677205-A-T.
Other names: c.7263A>T, p.Leu2421Phe (NM_000267.4); short protein forms L2421F, L2442F.
Identifiers: ClinVar variation 3237931 (VCV003237931.1), dbSNP rs753224880.

ClinVar aggregate classification (germline): Uncertain significance (1 of 4 stars; one submission).

Conditions:
Hereditary cancer-predisposing syndrome. Also called: Neoplastic Syndromes, Hereditary; Tumor predisposition; Hereditary neoplastic syndrome; Hereditary Cancer Syndrome. Identifiers: Orphanet 140162, MedGen C0027672, MeSH D009386, MONDO:0015356.
Cardiovascular phenotype. Identifiers: MedGen CN230736.

Submission:

Ambry Genetics
Classification: Uncertain significance for Cardiovascular phenotype; Hereditary cancer-predisposing syndrome. Last evaluated: 2024-01-29. Review status: criteria provided, single submitter. Criteria: Ambry Variant Classification Scheme 2023. Collection method: clinical testing. Allele origin: germline.
Comment: The p.L2421F variant (also known as c.7263A>T), located in coding exon 49 of the NF1 gene, results from an A to T substitution at nucleotide position 7263. The leucine at codon 2421 is replaced by phenylalanine, an amino acid with highly similar properties. This amino acid position is conserved. In addition, the in silico prediction for this alteration is inconclusive. Based on the available evidence, the clinical significance of this alteration remains unclear.